The following is an entry in ClinVar:

ClinVar aggregate classification (germline): Uncertain significance (1 of 4 stars; one submission).

Conditions:
Hereditary cancer-predisposing syndrome. Also called: Hereditary neoplastic syndrome; Hereditary Cancer Syndrome; Neoplastic Syndromes, Hereditary; Tumor predisposition. Identifiers: Orphanet 140162, MedGen C0027672, MeSH D009386, MONDO:0015356.

Submission:

Ambry Genetics
Classification: Uncertain significance for Hereditary cancer-predisposing syndrome. Last evaluated: 2023-05-22. Review status: criteria provided, single submitter. Criteria: Ambry Variant Classification Scheme 2023. Collection method: clinical testing. Allele origin: germline.
Comment: The p.T913S variant (also known as c.2738C>G), located in coding exon 17 of the ATM gene, results from a C to G substitution at nucleotide position 2738. The threonine at codon 913 is replaced by serine, an amino acid with similar properties. This amino acid position is conserved. In addition, this alteration is predicted to be tolerated by in silico analysis. Since supporting evidence is limited at this time, the clinical significance of this alteration remains unclear.

NM_000051.4(ATM):c.2738C>G (p.Thr913Ser)

Gene: ATM (ATM serine/threonine kinase; plus strand). Cytogenetic location: 11q22.3.
Variant type: single nucleotide variant.
Coding change: c.2738C>G on transcript NM_000051.4 (MANE Select); coding-DNA position 2738, C replaced by G.
Protein change: p.Thr913Ser; replaces threonine 913 with serine.
Molecular consequence: missense variant.
Genome position (GRCh38, 1-based): chr11:108,268,509, C>G. VCF-style: chr11-108268509-C-G. GRCh37 (hg19) VCF-style: chr11-108139236-C-G.
Other names: c.2738C>G, p.Thr913Ser (NM_001351834.2); short protein forms T913S.
Identifiers: ClinVar variation 2568219 (VCV002568219.2), dbSNP rs1266220962, ClinGen allele CA382545383.